The following is an entry in ClinVar:

ClinVar aggregate classification (germline): Conflicting classifications of pathogenicity. Review status: criteria provided, conflicting classifications (1 of 4 stars). 2 submissions from 2 submitters: Likely pathogenic (1); Uncertain significance (1). Last evaluated 2024-12-23.

Conditions:
Hypoparathyroidism, deafness, renal disease syndrome (HDRS). Also called: HYPOPARATHYROIDISM, SENSORINEURAL DEAFNESS, AND RENAL DYSPLASIA SYNDROME. Identifiers: Orphanet 2237, MedGen C1840333, MONDO:0007797, OMIM 146255.

Submissions (2):

Labcorp Genetics (formerly Invitae), Labcorp
Classification: Uncertain significance. Last evaluated: 2024-12-23. Review status: criteria provided, single submitter. Criteria: Invitae Variant Classification Sherloc (09022015). Collection method: clinical testing. Allele origin: germline.
Comment: This sequence change replaces proline, which is neutral and non-polar, with threonine, which is neutral and polar, at codon 354 of the GATA3 protein (p.Pro354Thr). This variant is not present in population databases (gnomAD no frequency). This missense change has been observed in individual(s) with deafness (internal data). It has also been observed to segregate with disease in related individuals. Invitae Evidence Modeling of protein sequence and biophysical properties (such as structural, functional, and spatial information, amino acid conservation, physicochemical variation, residue mobility, and thermodynamic stability) indicates that this missense variant is expected to disrupt GATA3 protein function with a positive predictive value of 80%. In summary, the available evidence is currently insufficient to determine the role of this variant in disease. Therefore, it has been classified as a Variant of Uncertain Significance.

MVZ Medizinische Genetik Mainz
Classification: Likely pathogenic for Hypoparathyroidism, deafness, renal disease syndrome. Last evaluated: 2024-06-05. Review status: criteria provided, single submitter. Criteria: UK Practice Guidelines For Variant Classification V4 01 2020. Collection method: clinical testing. Allele origin: germline. Inheritance: Autosomal dominant inheritance. Affected: yes. Observed: 1 variant allele.
Comment: ACMG Criteria: PP3_STR,PS3_SUP,PM1_SUP,PM2_SUP

NM_001002295.2(GATA3):c.1060C>A (p.Pro354Thr)

Gene: GATA3 (GATA binding protein 3; plus strand). Cytogenetic location: 10p14.
Variant type: single nucleotide variant.
Coding change: c.1060C>A on transcript NM_001002295.2 (MANE Select); coding-DNA position 1060, C replaced by A.
Protein change: p.Pro354Thr; replaces proline 354 with threonine.
Molecular consequence: missense variant.
Genome position (GRCh38, 1-based): chr10:8,073,748, C>A. VCF-style: chr10-8073748-C-A. GRCh37 (hg19) VCF-style: chr10-8115711-C-A.
Other names: c.1057C>A, p.Pro353Thr (NM_002051.3); short protein forms P353T, P354T.
Identifiers: ClinVar variation 3256884 (VCV003256884.3).
Genomic context (GRCh38, chr10:8,073,748, plus strand): 5'-CAGAGGCAGCAAAAAAGTAAAAAAAAAAAAAAAAAATTGATCTTTGTTTAGATTAACAGA[C>A]CCCTGACTATGAAGAAGGAAGGCATCCAGACCAGAAACCGAAAAATGTCTAGCAAATCCA-3'
Protein context (NP_001002295.1, residues 344-364): LYYKLHNINR[Pro354Thr]LTMKKEGIQT